The following is an entry in ClinVar:

NM_001098426.2(SMARCD2):c.1185C>A (p.Val395=)

Gene: SMARCD2 (SWI/SNF related BAF chromatin remodeling complex subunit D2; minus strand). Cytogenetic location: 17q23.3.
Variant type: single nucleotide variant.
Coding change: c.1185C>A on transcript NM_001098426.2 (MANE Select); coding-DNA position 1185, C replaced by A.
Protein change: p.Val395=; no amino-acid change (valine 395 retained).
Molecular consequence: synonymous variant.
Genome position (GRCh38, 1-based): chr17:63,833,719, G>T on the plus strand (C>A on the coding strand, the complement: SMARCD2 is on the minus strand). VCF-style: chr17-63833719-G-T. GRCh37 (hg19) VCF-style: chr17-61911079-G-T.
Other names: c.960C>A, p.Val320= (NM_001330439.1); c.1041C>A, p.Val347= (NM_001330440.2).
Identifiers: ClinVar variation 5019933 (VCV005019933.2).
Genomic context (GRCh38, chr17:63,833,719, plus strand): 5'-TGGGTCGTCCACCTCCACATCGATGTCGTAACAGGCTGTCTTCTTCTGGTCGTTAGGGTC[G>T]ACACTGCAGGCAGCACATGGGGAGGGAAGGCACATAGCTGACTTCATCCTGCCCACCTGG-3'
Protein context (NP_001091896.1, residues 385-405): DPIVINHVIS[Val395=]DPNDQKKTAC

ClinVar aggregate classification (germline): Uncertain significance (1 of 4 stars; one submission).

Conditions:
Specific granule deficiency 2 (SGD2). Identifiers: MedGen C4479548, MONDO:0044208, OMIM 617475.

Submission:

Juno Genomics, Hangzhou Juno Genomics, Inc
Classification: Uncertain significance for Specific granule deficiency 2. Review status: criteria provided, single submitter. Criteria: ACMG Guidelines, 2015. Collection method: clinical testing. Allele origin: germline.
Comment: Absent from controls (or at extremely low frequency if recessive) in Genome Aggregation Database.;Multiple lines of computational evidence support a deleterious effect on the gene or gene product.